The following is an entry in ClinVar:

ClinVar aggregate classification (germline): Likely benign (0 of 4 stars; one submission).

Conditions:
TTC14-related disorder. Also called: TTC14-related condition.

Allele frequency attached by ClinVar (database versions not stated): 1000 Genomes Project 0.00060; 1000 Genomes Project 30x 0.00062.
gnomAD v4.1: 212 of 1,613,802 alleles (0.013%); highest among the groups gnomAD compares: Admixed American, 0.087%; no homozygotes.

Submission:

PreventionGenetics, part of Exact Sciences
Classification: Likely benign for TTC14-related condition. Last evaluated: 2019-11-21. Review status: no assertion criteria provided. Collection method: clinical testing. Allele origin: germline.
Comment: This variant is classified as likely benign based on ACMG/AMP sequence variant interpretation guidelines (Richards et al. 2015 PMID: 25741868, with internal and published modifications).

NM_133462.4(TTC14):c.939C>T (p.Ile313=)

Gene: TTC14 (tetratricopeptide repeat domain 14; plus strand). Cytogenetic location: 3q26.33.
Variant type: single nucleotide variant.
Coding change: c.939C>T on transcript NM_133462.4 (MANE Select); coding-DNA position 939, C replaced by T.
Protein change: p.Ile313=; no amino-acid change (isoleucine 313 retained).
Molecular consequence: synonymous variant.
Genome position (GRCh38, 1-based): chr3:180,606,262, C>T. VCF-style: chr3-180606262-C-T. GRCh37 (hg19) VCF-style: chr3-180324050-C-T.
Other names: c.939C>T, p.Ile313= (NM_001042601.3, NM_001288582.2).
Identifiers: ClinVar variation 3048566 (VCV003048566.2), dbSNP rs201415238, ClinGen allele CA2715249.